The following is an entry in ClinVar:

NC_000001.10:g.(?_64059160)_(64059425_?)dup

Gene: PGM1 (phosphoglucomutase 1; plus strand). Cytogenetic location: 1p31.3.
Variant type: Duplication.
Identifiers: ClinVar variation 2424505 (VCV002424505.3).

ClinVar aggregate classification (germline): Uncertain significance (1 of 4 stars; one submission).

Conditions:
PGM1-congenital disorder of glycosylation. Also called: CDG It; PHOSPHOGLUCOMUTASE 1 DEFICIENCY; PGM1 DEFICIENCY; GLYCOGEN STORAGE DISEASE XIV; GSD XIV; Congenital disorder of glycosylation type 1t. Identifiers: Orphanet 319646, MedGen C2752015, MONDO:0013968, OMIM 614921.

Submission:

Labcorp Genetics (formerly Invitae), Labcorp
Classification: Uncertain significance for PGM1-congenital disorder of glycosylation. Last evaluated: 2022-06-09. Review status: criteria provided, single submitter. Criteria: Invitae Variant Classification Sherloc (09022015). Collection method: clinical testing. Allele origin: germline.
Comment: This variant results in a copy number gain of the genomic region encompassing exon(s) 1 of the PGM1 gene. This region includes the initiator codon of the gene. This copy number gain extends beyond the assayed region for this gene and therefore may encompass additional genes. As the precise location of this event is unknown, it may be in tandem or it may be located elsewhere in the genome. This variant has not been reported in the literature in individuals affected with PGM1-related conditions. In summary, the available evidence is currently insufficient to determine the role of this variant in disease. Therefore, it has been classified as a Variant of Uncertain Significance.